The following is an entry in ClinVar:

NM_003242.6(TGFBR2):c.639C>T (p.Ser213=)

Gene: TGFBR2 (transforming growth factor beta receptor 2; plus strand). Cytogenetic location: 3p24.1.
Variant type: single nucleotide variant.
Coding change: c.639C>T on transcript NM_003242.6 (MANE Select); coding-DNA position 639, C replaced by T.
Protein change: p.Ser213=; no amino-acid change (serine 213 retained).
Molecular consequence: synonymous variant. On other transcripts: intron variant (1).
Genome position (GRCh38, 1-based): chr3:30,671,822, C>T. VCF-style: chr3-30671822-C-T. GRCh37 (hg19) VCF-style: chr3-30713314-C-T.
Other names: c.714C>T, p.Ser238= (NM_001024847.3); c.822C>T, p.Ser274= (NM_001407126.1); c.747C>T, p.Ser249= (NM_001407127.1); c.666C>T, p.Ser222= (NM_001407128.1); c.642C>T, p.Ser214= (NM_001407129.1); c.639C>T, p.Ser213= (NM_001407130.1); c.534C>T, p.Ser178= (NM_001407132.1, NM_001407133.1, NM_001407134.1 and 2 more transcripts); c.354C>T, p.Ser118= (NM_001407137.1); and 2 more.
Identifiers: ClinVar variation 507705 (VCV000507705.24), dbSNP rs200332401, ClinGen allele CA049464.

ClinVar aggregate classification (germline): Benign/Likely benign. Review status: criteria provided, multiple submitters, no conflicts (2 of 4 stars). 10 submissions from 10 submitters: Benign (1); Likely benign (8). 1 of the submissions does not count toward it. Last evaluated 2026-09-01.

Conditions:
TGFBR2-related disorder. Also called: TGFBR2-related condition.
Familial thoracic aortic aneurysm and aortic dissection (TAAD). Also called: Thoracic aortic aneurysms and dissections. Identifiers: Orphanet 91387, MedGen C4707243, MONDO:0019625.
Loeys-Dietz syndrome 2 (LDS2). Also called: TGFBR2-Related Loeys-Dietz Syndrome; AORTIC ANEURYSM, FAMILIAL THORACIC 3; MARFAN SYNDROME, TYPE II; Marfan syndrome, type 2 (formerly); Marfan Syndrome type 2; Marfan like connective tissue disorder. Identifiers: Orphanet 284973, Orphanet 558, MedGen C2674574, MONDO:0012427, OMIM 610168.

Allele frequency attached by ClinVar (database versions not stated): gnomAD 0.00003; TOPMed 0.00005; gnomAD exomes 0.00009 and 0.00010; ExAC 0.00017.
gnomAD v4.1: 160 of 1,614,070 alleles (0.0099%); highest among the groups gnomAD compares: Non-Finnish European, 0.013%; no homozygotes.

Submissions (10):

CeGaT Center for Human Genetics Tuebingen
Classification: Likely benign. Last evaluated: 2026-09-01. Review status: criteria provided, single submitter. Criteria: CeGaT Center For Human Genetics Tuebingen Variant Classification Criteria Version 2. Collection method: clinical testing. Allele origin: germline. Affected: yes. Observed: 2 variant alleles.
Comment: TGFBR2: BP4, BP7

Labcorp Genetics (formerly Invitae), Labcorp
Classification: Likely benign for Familial thoracic aortic aneurysm and aortic dissection. Last evaluated: 2026-01-06. Review status: criteria provided, single submitter. Criteria: Invitae Variant Classification Sherloc (09022015). Collection method: clinical testing. Allele origin: germline.

Women's Health and Genetics/Laboratory Corporation of America, LabCorp
Classification: Benign. Last evaluated: 2025-07-24. Review status: criteria provided, single submitter. Criteria: LabCorp Variant Classification Summary - May 2015. Collection method: clinical testing. Allele origin: germline.

Blueprint Genetics
Classification: Likely benign. Last evaluated: 2024-10-31. Review status: criteria provided, single submitter. Criteria: ACMG Guidelines, 2015. Collection method: clinical testing. Allele origin: germline.

All of Us Research Program, National Institutes of Health
Classification: Likely benign for Loeys-Dietz syndrome 2. Last evaluated: 2023-11-30. Review status: criteria provided, single submitter. Criteria: ACMG Guidelines, 2015. Collection method: clinical testing. Allele origin: germline. Inheritance: Autosomal dominant inheritance. Observed: 14 variant alleles, 14 heterozygotes.
Comment: This study involves interpretation of variants in research participants for the purpose of population health screening. Participant phenotype was not available at the time of variant classification. Additional details can be found in publication PMID: 35346344, PMCID: PMC8962531

Ambry Genetics
Classification: Likely benign for Familial thoracic aortic aneurysm and aortic dissection. Last evaluated: 2022-08-22. Review status: criteria provided, single submitter. Criteria: Ambry Variant Classification Scheme 2023. Collection method: clinical testing. Allele origin: germline.

GeneDx
Classification: Likely benign. Last evaluated: 2020-02-18. Review status: criteria provided, single submitter. Criteria: GeneDx Variant Classification Process June 2021. Collection method: clinical testing. Allele origin: germline. Affected: yes.

Color Diagnostics, LLC DBA Color Health
Classification: Likely benign for Familial thoracic aortic aneurysm and aortic dissection. Last evaluated: 2019-02-25. Review status: criteria provided, single submitter. Criteria: ACMG Guidelines, 2015. Collection method: clinical testing. Allele origin: germline.

Center for Human Genetics, Inc
Classification: Likely benign for Familial thoracic aortic aneurysm and aortic dissection. Last evaluated: 2016-11-01. Review status: criteria provided, single submitter. Criteria: ACMG Guidelines, 2015. Collection method: clinical testing. Allele origin: germline. Affected: yes.

PreventionGenetics, part of Exact Sciences
Classification: Likely benign for TGFBR2-related condition. Last evaluated: 2023-09-17. Review status: no assertion criteria provided. Collection method: clinical testing. Allele origin: germline. Not counted in ClinVar's aggregate classification.
Comment: This variant is classified as likely benign based on ACMG/AMP sequence variant interpretation guidelines (Richards et al. 2015 PMID: 25741868, with internal and published modifications).